The following is an entry in ClinVar:

NM_003041.4(SLC5A2):c.1579C>T (p.Leu527Phe)

Gene: SLC5A2 (solute carrier family 5 member 2; plus strand). Cytogenetic location: 16p11.2.
Variant type: single nucleotide variant.
Coding change: c.1579C>T on transcript NM_003041.4 (MANE Select); coding-DNA position 1579, C replaced by T.
Protein change: p.Leu527Phe; replaces leucine 527 with phenylalanine.
Molecular consequence: missense variant. On other transcripts: non-coding transcript variant (1).
Genome position (GRCh38, 1-based): chr16:31,489,252, C>T. VCF-style: chr16-31489252-C-T. GRCh37 (hg19) VCF-style: chr16-31500573-C-T.
Other names: short protein forms L527F.
Identifiers: ClinVar variation 4996490 (VCV004996490.1).

ClinVar aggregate classification (germline): Uncertain significance (1 of 4 stars; one submission).

Conditions:
SLC5A2-related disorder. Also called: SLC5A2-related condition.

Submission:

PreventionGenetics, part of Exact Sciences
Classification: Uncertain significance for SLC5A2-related condition. Last evaluated: 2026-06-11. Review status: criteria provided, single submitter. Criteria: ACMG Guidelines, 2015. Collection method: clinical testing. Allele origin: germline.
Comment: The SLC5A2 c.1579C>T variant is predicted to result in the amino acid substitution p.Leu527Phe. To our knowledge, this variant has not been reported in the literature or in a large population database (gnomAD), indicating this variant is rare. At this time, the clinical significance of this variant is uncertain due to the absence of conclusive functional and genetic evidence.